The following is an entry in ClinVar:

NM_000557.5(GDF5):c.158del (p.Leu53fs)

Gene: GDF5 (growth differentiation factor 5; minus strand). Cytogenetic location: 20q11.22.
Variant type: Deletion.
Coding change: c.158del on transcript NM_000557.5 (MANE Select); coding-DNA position 158, one base deleted (T; older notation c.158delT).
Protein change: p.Leu53fs; shifts the reading frame from leucine 53.
Molecular consequence: frameshift variant.
Genome position (GRCh38, 1-based): chr20:35,437,771, A deleted on the plus strand (T on the coding strand, the reverse complement: GDF5 is on the minus strand). VCF-style (leftmost placement, unchanged base first): chr20-35437770-CA-C. GRCh37 (hg19) VCF-style: chr20-34025550-CA-C.
Other names: c.158del, p.Leu53fs (NM_001319138.2); c.158del (NM_000557.2); c.158delT (NM_000557.4); short protein forms L53fs.
Identifiers: ClinVar variation 282711 (VCV000282711.19), dbSNP rs886042462, ClinGen allele CA10604276.

ClinVar aggregate classification (germline): Pathogenic/Likely pathogenic. Review status: criteria provided, multiple submitters, no conflicts (2 of 4 stars). 7 submissions from 7 submitters: Pathogenic (5); Likely pathogenic (2). Last evaluated 2026-05-22.

Conditions:
Paediatric disorders.
GDF5-related disorder. Also called: GDF5-related condition; GDF5 (CDMP1)-related disorder. Identifiers: MedGen CN169990.
Brachydactyly type C (BDC). Identifiers: Orphanet 93384, MedGen C1862103, MONDO:0007221, OMIM 113100, HP:0009373.
Type A2 brachydactyly (BDA2). Also called: Brachymesophalangy type 2; BRACHYMESOPHALANGY II; MOHR-WRIEDT TYPE BRACHYDACTYLY. Identifiers: Orphanet 93396, MedGen C1832702, MONDO:0007216, OMIM 112600, HP:0009372.

Allele frequency attached by ClinVar (database versions not stated): gnomAD exomes below 0.00001; TOPMed below 0.00001; gnomAD 0.00001.

Submissions (7):

North West Genomic Laboratory Hub, Manchester University NHS Foundation Trust
Classification: Pathogenic for Paediatric disorders. Last evaluated: 2026-05-22. Review status: criteria provided, single submitter. Criteria: ACGS Best Practice Guidelines for Variant Classification in Rare Disease 2024. Collection method: clinical testing. Allele origin: germline. Affected: yes.
Comment: PS4_Mod PVS1_VStr

GeneDx
Classification: Likely pathogenic. Last evaluated: 2026-02-27. Review status: criteria provided, single submitter. Criteria: GeneDx Variant Classification Process June 2021. Collection method: clinical testing. Allele origin: germline.
Comment: Identified in the heterozygous state in a patient with brachydactyly type C in the published literature (PMID: 12357473); Frameshift variant predicted to result in protein truncation or nonsense mediated decay in a gene for which loss of function is a known mechanism of disease; Not observed at significant frequency in large population cohorts (gnomAD); This variant is associated with the following publications: (PMID: 12357473, 39843441, 38702915)

PreventionGenetics, part of Exact Sciences
Classification: Pathogenic for GDF5-related condition. Last evaluated: 2025-12-30. Review status: criteria provided, single submitter. Criteria: ACMG Guidelines, 2015. Collection method: clinical testing. Allele origin: germline.
Comment: The GDF5 c.158delT variant is predicted to result in a frameshift and premature protein termination (p.Leu53Argfs*34). This variant has been reported in an individual with brachydactyly (Everman et al. 2002. PubMed ID: 12357473) and was reported in skeletal dysplasia cohort study (referred to as c.157del, Table S5, MacCarrick et al. 2024. PubMed ID: 38702915). This variant has not been reported in a large population database (gnomAD), indicating this variant is rare. Frameshift variants in GDF5 are expected to be pathogenic. This variant is interpreted as pathogenic.

Variantyx, Inc.
Classification: Likely pathogenic for Brachydactyly type C. Last evaluated: 2025-07-28. Review status: criteria provided, single submitter. Criteria: Variantyx Assertion Criteria 2022. Collection method: clinical testing. Allele origin: germline. Inheritance: Autosomal dominant inheritance. Affected: yes.
Comment: This is a frameshift variant in the GDF5 gene (OMIM: 601146). Pathogenic variants in this gene have been associated with autosomal dominant type C brachydactyly. This variant introduces a premature termination codon in exon 1 out of 2 and is expected to result in loss of function, which is a known disease mechanism for GDF5 in this disorder (PMID: 33333243, 9288091, 18283415, 12567410) (PVS1). This variant has a 0.0004% maximum allele frequency in non-founder control populations (PM2). It has been reported in the heterozygous state in at least 2 unrelated affected individuals (PMID:12357473). Inter- and intrafamilial clinical variability has been described (PMID: 33333243). Based on the current evidence, this variant is classified as likely pathogenic for autosomal dominant type C brachydactyly.

Labcorp Genetics (formerly Invitae), Labcorp
Classification: Pathogenic. Last evaluated: 2025-06-19. Review status: criteria provided, single submitter. Criteria: Invitae Variant Classification Sherloc (09022015). Collection method: clinical testing. Allele origin: germline.
Comment: This sequence change creates a premature translational stop signal (p.Leu53Argfs*34) in the GDF5 gene. It is expected to result in an absent or disrupted protein product. Loss-of-function variants in GDF5 are known to be pathogenic (PMID: 8589725, 9288091, 12121354, 12357473, 27577507). This variant is not present in population databases (gnomAD no frequency). This premature translational stop signal has been observed in individual(s) with autosomal dominant brachydactyly type C (PMID: 12357473). ClinVar contains an entry for this variant (Variation ID: 282711). For these reasons, this variant has been classified as Pathogenic.

3billion
Classification: Pathogenic for Type A2 brachydactyly. Last evaluated: 2022-01-03. Review status: criteria provided, single submitter. Criteria: ACMG Guidelines, 2015. Collection method: clinical testing. Allele origin: germline. Affected: yes. Observed: 1 heterozygote.
Comment: Frameshift: predicted to result in a loss or disruption of normal protein function through nonsense-mediated decay (NMD) or protein truncation. Multiple pathogenic variants are reported downstream of the variant (PVS1_VS). The variant has been reported to be associated with GDF5 related disorder (ClinVar ID: VCV000282711, PMID:12357473). It is not observed in the gnomAD v2.1.1 dataset (PM2_M). Therefore, this variant is classified as pathogenic according to the recommendation of ACMG/AMP guideline.

Eurofins Ntd Llc (ga)
Classification: Pathogenic. Last evaluated: 2015-09-15. Review status: criteria provided, single submitter. Criteria: EGL Classification Definitions 2015. Collection method: clinical testing. Allele origin: germline. Observed: 2 variant alleles, 2 heterozygotes.

Literature cited by the submitters: PubMed 33333243 (cited by Variantyx, Inc.); PubMed 9288091 (cited by Variantyx, Inc. and Labcorp Genetics (formerly Invitae), Labcorp); PubMed 18283415 (cited by Variantyx, Inc.); PubMed 12567410 (cited by Variantyx, Inc.); PubMed 8589725 (cited by Labcorp Genetics (formerly Invitae), Labcorp); PubMed 12121354 (cited by Labcorp Genetics (formerly Invitae), Labcorp); PubMed 12357473 (cited by Labcorp Genetics (formerly Invitae), Labcorp and 3billion); PubMed 27577507 (cited by Labcorp Genetics (formerly Invitae), Labcorp).